The following is an entry in ClinVar:

NM_001538.4(HSF4):c.-419C>T

Genes: FBXL8 (F-box and leucine rich repeat protein 8; plus strand), HSF4 (heat shock transcription factor 4; plus strand). Cytogenetic location: 16q22.1.
Variant type: single nucleotide variant.
Coding change: c.-419C>T on transcript NM_001538.4; 419 bases upstream of the start codon, C replaced by T.
Molecular consequence: 5 prime UTR variant. On other transcripts: 3 prime UTR variant (1).
Genome position (GRCh38, 1-based): chr16:67,164,097, C>T. VCF-style: chr16-67164097-C-T. GRCh37 (hg19) VCF-style: chr16-67198000-C-T.
Other names: c.-419C>T (NM_001040667.3); c.*277C>T (NM_018378.3).
Identifiers: ClinVar variation 886482 (VCV000886482.6), dbSNP rs562489000, ClinGen allele CA8101639.

ClinVar aggregate classification (germline): Likely benign (1 of 4 stars; one submission).

Conditions:
Cataract 5 multiple types (CTRCT5). Also called: CATARACT, MARNER TYPE; CATARACT 5, LAMELLAR; Lamellar cataract. Identifiers: Orphanet 91492, MedGen C0266537, MONDO:0007290, OMIM 116800, HP:0007971.

Allele frequency attached by ClinVar (database versions not stated): gnomAD 0.00011 and 0.00006; gnomAD exomes 0.00038 and 0.00023; 1000 Genomes Project 30x 0.00016; ExAC 0.00038; TOPMed 0.00008; 1000 Genomes Project 0.00020.
gnomAD v4.1: 207 of 683,562 alleles (0.03%); highest among the groups gnomAD compares: East Asian, 0.4%; 2 homozygotes.

Submission:

Illumina Laboratory Services, Illumina
Classification: Likely benign for Cataract 5 multiple types. Last evaluated: 2018-01-13. Review status: criteria provided, single submitter. Criteria: ICSL Variant Classification Criteria 13 December 2019. Collection method: clinical testing. Allele origin: germline.
Comment: This variant was observed in the ICSL laboratory as part of a predisposition screen in an ostensibly healthy population. It had not been previously curated by ICSL or reported in the Human Gene Mutation Database (HGMD: prior to June 1st, 2018), and was therefore a candidate for classification through an automated scoring system. Utilizing variant allele frequency, disease prevalence and penetrance estimates, and inheritance mode, an automated score was calculated to assess if this variant is too frequent to cause the disease. Based on the score and internal cut-off values, a variant classified as likely benign is not then subjected to further curation. The score for this variant resulted in a classification of likely benign for this disease.